The following is an entry in ClinVar:

NM_001031710.3(KLHL7):c.175C>T (p.Arg59Cys)

Gene: KLHL7 (kelch like family member 7; plus strand). Cytogenetic location: 7p15.3.
Variant type: single nucleotide variant.
Coding change: c.175C>T on transcript NM_001031710.3 (MANE Select); coding-DNA position 175, C replaced by T.
Protein change: p.Arg59Cys; replaces arginine 59 with cysteine.
Molecular consequence: missense variant. On other transcripts: non-coding transcript variant (2).
Genome position (GRCh38, 1-based): chr7:23,123,831, C>T. VCF-style: chr7-23123831-C-T. GRCh37 (hg19) VCF-style: chr7-23163450-C-T.
Other names: c.175C>T, p.Arg59Cys (NM_001172428.2); c.31C>T, p.Arg11Cys (NM_018846.5); short protein forms R11C, R59C.
Identifiers: ClinVar variation 985358 (VCV000985358.4), dbSNP rs1783450715, ClinGen allele CA366974656.

ClinVar aggregate classification (germline): Uncertain significance. Review status: criteria provided, multiple submitters, no conflicts (2 of 4 stars). 2 submissions from 2 submitters: Uncertain significance (2). Last evaluated 2024-06-01.

Conditions:
Inborn genetic diseases. Identifiers: MedGen C0950123, MeSH D030342.

Allele frequency attached by ClinVar (database versions not stated): gnomAD exomes below 0.00001.
gnomAD v4.1: 2 of 1,613,698 alleles (0.00012%); highest among the groups gnomAD compares: Non-Finnish European, 0.000085%; no homozygotes.

Submissions (2):

GeneDx
Classification: Uncertain significance. Last evaluated: 2024-06-01. Review status: criteria provided, single submitter. Criteria: GeneDx Variant Classification Process June 2021. Collection method: clinical testing. Allele origin: germline. Affected: yes.
Comment: Not observed at significant frequency in large population cohorts (gnomAD); In silico analysis supports that this missense variant has a deleterious effect on protein structure/function; Has not been previously published as pathogenic or benign to our knowledge; This variant is associated with the following publications: (PMID: 21828050)

Ambry Genetics
Classification: Uncertain significance for Inborn genetic diseases. Last evaluated: 2018-09-15. Review status: criteria provided, single submitter. Criteria: Ambry exome assertion method (8-5-2015). Collection method: clinical testing. Allele origin: germline. Affected: yes. Observed: 1 variant allele.

Literature cited by the submitters: PubMed 21828050 (cited by Ambry Genetics).